The following is an entry in ClinVar:

NM_017668.3(NDE1):c.684_685del (p.Pro229fs)

Gene: NDE1 (nudE neurodevelopment protein 1; plus strand). Cytogenetic location: 16p13.11.
Variant type: Microsatellite.
Coding change: c.684_685del on transcript NM_017668.3 (MANE Select); coding-DNA positions 684 to 685, 2 bases deleted (AC; older notation c.684_685delAC).
Protein change: p.Pro229fs; shifts the reading frame from proline 229.
Molecular consequence: frameshift variant.
Genome position (GRCh38, 1-based): chr16:15,691,304-15,691,305, AC deleted; deleting any 2 consecutive bases within chr16:15,691,300-15,691,305 gives the same sequence; the c. name uses the placement nearest the transcript's 3' end. VCF-style (leftmost placement, unchanged base first): chr16-15691299-AAC-A. GRCh37 (hg19) VCF-style: chr16-15785156-AAC-A.
Other names: c.684_685delAC (NM_001143979.1); c.684_685del, p.Pro229fs (NM_001143979.2); short protein forms P229fs.
Identifiers: ClinVar variation 30787 (VCV000030787.21), dbSNP rs756206942, ClinGen allele CA7920745.

ClinVar aggregate classification (germline): Pathogenic. Review status: criteria provided, multiple submitters, no conflicts (2 of 4 stars). 9 submissions from 9 submitters: Pathogenic (8). 1 of the submissions does not count toward it. Last evaluated 2025-02-21.

Conditions:
NDE1-related microhydranencephaly (MHAC). Also called: HYDRANENCEPHALY AND MICROCEPHALY. Identifiers: Orphanet 443162, MedGen C1857977, MONDO:0011504, OMIM 605013.
Lissencephaly 4 (LIS4). Also called: Lissencephaly 4 (with microcephaly). Identifiers: Orphanet 1083, MedGen C3151461, MONDO:0013527, OMIM 614019.

Submissions (9):

Dasa
Classification: Pathogenic. Last evaluated: 2025-02-21. Review status: criteria provided, single submitter. Criteria: DASA Assertion Criteria. Collection method: clinical testing. Allele origin: germline.
Comment: NM_017668.3(NDE1):c.684_685del (p.Pro229Trpfs*85) is a frameshift variant in NDE1 predicted to alter the reading frame and introduce a premature termination codon and is predicted to result in an absent or altered protein product. Loss of function is an established disease mechanism for NDE1-associated disorders. This variant has been recurrently observed in individuals with NDE1-related disorders (PMID: 21529752; PMID: 21529751; PMID: 34562061). Functional evidence supports an impact on the gene or gene product. Also, this variant is rare in population databases. Based on the currently available evidence, this variant is classified as pathogenic.

Labcorp Genetics (formerly Invitae), Labcorp
Classification: Pathogenic. Last evaluated: 2024-12-16. Review status: criteria provided, single submitter. Criteria: Invitae Variant Classification Sherloc (09022015). Collection method: clinical testing. Allele origin: germline.
Comment: This sequence change creates a premature translational stop signal (p.Pro229Trpfs*85) in the NDE1 gene. While this is not anticipated to result in nonsense mediated decay, it is expected to disrupt the last 107 amino acid(s) of the NDE1 protein. This variant is present in population databases (rs756206942, gnomAD 0.01%). This premature translational stop signal has been observed in individuals with microlissencephaly (PMID: 21529751, 21529752). It has also been observed to segregate with disease in related individuals. ClinVar contains an entry for this variant (Variation ID: 30787). Algorithms developed to predict the effect of variants on gene product structure and function are not available or were not evaluated for this variant. Experimental studies have shown that this premature translational stop signal affects NDE1 function (PMID: 21529751, 21529752). For these reasons, this variant has been classified as Pathogenic.

Genomic Medicine Center of Excellence, King Faisal Specialist Hospital and Research Centre
Classification: Pathogenic for Lissencephaly 4. Last evaluated: 2024-09-22. Review status: criteria provided, single submitter. Criteria: ACMG Guidelines, 2015. Collection method: clinical testing. Allele origin: germline.

Laboratorio de Genetica e Diagnostico Molecular, Hospital Israelita Albert Einstein
Classification: Pathogenic for NDE1-related microhydranencephaly. Last evaluated: 2023-01-06. Review status: criteria provided, single submitter. Criteria: ACMG Guidelines, 2015. Collection method: clinical testing. Allele origin: germline. Affected: yes. Observed: 1 variant allele.
Comment: ACMG classification criteria: PVS1 very strong, PS3 supporting, PM2 supporting, PM3 moderated, PP1 strong

GeneDx
Classification: Pathogenic. Last evaluated: 2022-12-08. Review status: criteria provided, single submitter. Criteria: GeneDx Variant Classification Process June 2021. Collection method: clinical testing. Allele origin: germline. Affected: yes.
Comment: Published functional studies demonstrate that this variant prevents the NDE1 protein from localizing to the centrosome, results in protein instability, and disrupts cytoplasmic dynein binding (Bakircioglu et al., 2011; Alkuraya et al., 2011); Frameshift variant predicted to result in protein truncation, as the last 107 amino acids are replaced with 84 different amino acids, and other loss-of-function variants have been reported downstream in HGMD; Not observed at significant frequency in large population cohorts (gnomAD); This variant is associated with the following publications: (PMID: 21529752, 29191162, 22526350, 32552793, 31589614, 21529751, 34562061)

Athena Diagnostics
Classification: Pathogenic. Last evaluated: 2022-11-22. Review status: criteria provided, single submitter. Criteria: Athena Diagnostics Criteria. Collection method: clinical testing. Allele origin: unknown.
Comment: This variant is expected to result in the loss of a functional protein. The frequency of this variant in the general population is consistent with pathogenicity. This variant segregates with lissencephaly with microcephaly in multiple families and has been identified in at least one individual with microhydranencephaly. Assessment of experimental evidence suggests this variant results in abnormal protein function. (PMID: 21529751)

Centre for Mendelian Genomics, University Medical Centre Ljubljana
Classification: Pathogenic for Lissencephaly 4. Last evaluated: 2019-10-24. Review status: criteria provided, single submitter. Criteria: ACMG Guidelines, 2015. Collection method: clinical testing. Allele origin: unknown. Affected: yes.
Comment: This variant was classified as: Pathogenic. The following ACMG criteria were applied in classifying this variant: PVS1,PS1,PM2.

Illumina Laboratory Services, Illumina
Classification: Pathogenic for Lissencephaly 4. Last evaluated: 2018-08-15. Review status: criteria provided, single submitter. Criteria: ICSL Variant Classification Criteria 09 May 2019. Collection method: clinical testing. Allele origin: germline.
Comment: The NDE1 c.680_681delAC (p.Pro229TrpfsTer85) variant is a frameshift variant that is predicted to result in premature termination of the protein. The p.Pro229TrpfsTer85 variant has been reported in two studies and is found in a homozygous state in a total of eight individuals from three unrelated families with lissencephaly (Bakircioglu et al. 2011; Alkuraya et al. 2011). The variant was also found in a heterozygous state in at least eight unaffected relatives. The p.Pro229TrpfsTer85 variant was absent from 720 control chromosomes and is reported at a frequency of 0.000130 in the South Asian population of the Genome Aggregation Database. Functional studies showed that when transfected into HeLa M cells, the p.Pro229TrpfsTer85 variant protein did not localize to the centrosome like wild type during the cell cycle (Bakircioglu et al. 2011). Immunoblotting analysis of patient lymphoblasts found no detectable NDE1 protein in the affected patients and 50% of wild type protein levels in the heterozygous unaffected parents (Alkuraya et al. 2011). The variant was also shown to abolish dynein binding (Alkuraya et al. 2011). Based on the collective evidence, the p.Pro229TrpfsTer85 variant is classified as pathogenic for lissencephaly. This variant was observed by ICSL as part of a predisposition screen in an ostensibly healthy population.

OMIM
Classification: Pathogenic for LISSENCEPHALY 4 WITH MICROCEPHALY. Last evaluated: 2011-05-13. Review status: no assertion criteria provided. Collection method: literature only. Allele origin: germline. Not counted in ClinVar's aggregate classification.

Literature cited by the submitters: PubMed 21529752 (cited by 5 submitters); PubMed 21529751 (cited by 5 submitters); PubMed 34562061 (cited by Dasa and Athena Diagnostics); PubMed 31589614 (cited by Athena Diagnostics); PubMed 32552793 (cited by Athena Diagnostics).